The following is an entry in ClinVar:

NM_003716.4(CADPS):c.570C>T (p.Ser190=)

Gene: CADPS (calcium dependent secretion activator; minus strand). Cytogenetic location: 3p14.2.
Variant type: single nucleotide variant.
Coding change: c.570C>T on transcript NM_003716.4 (MANE Select); coding-DNA position 570, C replaced by T.
Protein change: p.Ser190=; no amino-acid change (serine 190 retained).
Molecular consequence: synonymous variant.
Genome position (GRCh38, 1-based): chr3:62,753,759, G>A on the plus strand (C>T on the coding strand, the complement: CADPS is on the minus strand). VCF-style: chr3-62753759-G-A. GRCh37 (hg19) VCF-style: chr3-62739434-G-A.
Other names: c.570C>T, p.Ser190= (NM_183393.3, NM_183394.3).
Identifiers: ClinVar variation 3040460 (VCV003040460.2), dbSNP rs199602219, ClinGen allele CA2477254.
Genomic context (GRCh38, chr3:62,753,759, plus strand): 5'-GACCTCCCGGGAGTCGTTGGCGGAACAGCCTCCACTCTGAACCATGCGGGCCACACGGTC[G>A]CTCTTCAGGAACACCTGAGCAAGAACAAGGCCAGGAAAGACAGTAGGAGAGTTTACCACA-3'
Protein context (NP_003707.2, residues 180-200): VQSYYEVFLK[Ser190=]DRVARMVQSG

ClinVar aggregate classification (germline): Likely benign (0 of 4 stars; one submission).

Conditions:
CADPS-related disorder. Also called: CADPS-related condition.

Allele frequency attached by ClinVar (database versions not stated): gnomAD exomes 0.00003; ExAC 0.00004; gnomAD 0.00025; 1000 Genomes Project 30x 0.00031; 1000 Genomes Project 0.00040; TOPMed 0.00063.
gnomAD v4.1: 94 of 1,612,130 alleles (0.0058%); highest among the groups gnomAD compares: Admixed American, 0.1%; no homozygotes.

Submission:

PreventionGenetics, part of Exact Sciences
Classification: Likely benign for CADPS-related condition. Last evaluated: 2019-09-13. Review status: no assertion criteria provided. Collection method: clinical testing. Allele origin: germline.
Comment: This variant is classified as likely benign based on ACMG/AMP sequence variant interpretation guidelines (Richards et al. 2015 PMID: 25741868, with internal and published modifications).